The following is an entry in ClinVar:

ClinVar aggregate classification (germline): Uncertain significance. Review status: criteria provided, multiple submitters, no conflicts (2 of 4 stars). 2 submissions from 2 submitters: Uncertain significance (2). Last evaluated 2024-11-05.

Allele frequency attached by ClinVar (database versions not stated): gnomAD 0.00021 and 0.00022; TOPMed 0.00026; 1000 Genomes Project 30x 0.00031; 1000 Genomes Project 0.00040.
gnomAD v4.1: 96 of 1,613,766 alleles (0.0059%); highest among the groups gnomAD compares: Admixed American, 0.07%; no homozygotes.

Submissions (2):

Labcorp Genetics (formerly Invitae), Labcorp
Classification: Uncertain significance. Last evaluated: 2024-11-05. Review status: criteria provided, single submitter. Criteria: Invitae Variant Classification Sherloc (09022015). Collection method: clinical testing. Allele origin: germline.
Comment: This sequence change replaces arginine, which is basic and polar, with cysteine, which is neutral and slightly polar, at codon 170 of the CNGA3 protein (p.Arg170Cys). This variant is present in population databases (rs200542032, gnomAD 0.02%). This missense change has been observed in individual(s) with CNGA3-related conditions (PMID: 32483926). ClinVar contains an entry for this variant (Variation ID: 198130). Invitae Evidence Modeling of protein sequence and biophysical properties (such as structural, functional, and spatial information, amino acid conservation, physicochemical variation, residue mobility, and thermodynamic stability) has been performed for this missense variant. However, the output from this modeling did not meet the statistical confidence thresholds required to predict the impact of this variant on CNGA3 protein function. In summary, the available evidence is currently insufficient to determine the role of this variant in disease. Therefore, it has been classified as a Variant of Uncertain Significance.

Eurofins Ntd Llc (ga)
Classification: Uncertain significance. Last evaluated: 2014-10-28. Review status: criteria provided, single submitter. Criteria: EGL Classification Definitions 2015. Collection method: clinical testing. Allele origin: germline. Observed: 1 variant allele, 1 heterozygote.

Literature cited by the submitters: PubMed 32483926 (cited by Labcorp Genetics (formerly Invitae), Labcorp).

NM_001298.3(CNGA3):c.508C>T (p.Arg170Cys)

Gene: CNGA3 (cyclic nucleotide gated channel subunit alpha 3; plus strand). Cytogenetic location: 2q11.2.
Variant type: single nucleotide variant.
Coding change: c.508C>T on transcript NM_001298.3 (MANE Select); coding-DNA position 508, C replaced by T.
Protein change: p.Arg170Cys; replaces arginine 170 with cysteine.
Molecular consequence: missense variant.
Genome position (GRCh38, 1-based): chr2:98,389,716, C>T. VCF-style: chr2-98389716-C-T. GRCh37 (hg19) VCF-style: chr2-99006179-C-T.
Other names: c.454C>T, p.Arg152Cys (NM_001079878.2); short protein forms R170C, R152C.
Identifiers: ClinVar variation 198130 (VCV000198130.11), dbSNP rs200542032, ClinGen allele CA246626.